The following is an entry in ClinVar:

ClinVar aggregate classification (germline): Conflicting classifications of pathogenicity. Review status: no assertion criteria provided (0 of 4 stars). 3 submissions from 3 submitters: Uncertain significance (1); Benign (1); Likely benign (1). Last evaluated 2024-08-06.

Conditions:
HNF1B-related disorder. Also called: HNF1B-related condition; HNF1B-related disorders.

Allele frequency attached by ClinVar (database versions not stated): ExAC 0.00005; gnomAD exomes 0.00005 and 0.00010; gnomAD 0.00007; ESP Exome Variant Server 0.00008.

Submissions (3):

PreventionGenetics, part of Exact Sciences
Classification: Uncertain significance for HNF1B-related condition. Last evaluated: 2024-08-06. Review status: no assertion criteria provided. Collection method: clinical testing. Allele origin: germline.
Comment: The HNF1B c.1304G>A variant is predicted to result in the amino acid substitution p.Arg435His. To our knowledge, this variant has not been reported in the literature. This variant is reported in 0.016% of alleles in individuals of African descent in gnomAD. Although we suspect that this variant may be benign, at this time, the clinical significance of this variant is uncertain due to the absence of conclusive functional and genetic evidence.

Clinical Genetics DNA and cytogenetics Diagnostics Lab, Erasmus MC, Erasmus Medical Center
Classification: Likely benign. Review status: no assertion criteria provided. Collection method: clinical testing. Allele origin: germline. Affected: yes. Study: VKGL Data-share Consensus.

Joint Genome Diagnostic Labs from Nijmegen and Maastricht, Radboudumc and MUMC+
Classification: Benign. Review status: no assertion criteria provided. Collection method: clinical testing. Allele origin: germline. Affected: yes. Study: VKGL Data-share Consensus.

NM_000458.4(HNF1B):c.*22G>A

Gene: HNF1B (HNF1 homeobox B; minus strand). Cytogenetic location: 17q12.
Variant type: single nucleotide variant.
Coding change: c.*22G>A on transcript NM_000458.4 (MANE Select); 22 bases downstream of the stop codon, G replaced by A.
Molecular consequence: 3 prime UTR variant. On other transcripts: missense variant (1).
Genome position (GRCh38, 1-based): chr17:37,687,350, C>T on the plus strand (G>A on the coding strand, the complement: HNF1B is on the minus strand). VCF-style: chr17-37687350-C-T. GRCh37 (hg19) VCF-style: chr17-36047353-C-T.
Other names: c.*22G>A (NM_001165923.4); c.1304G>A, p.Arg435His (NM_001304286.2); c.1304G>A (NM_001304286.1); short protein forms R435H.
Identifiers: ClinVar variation 1297600 (VCV001297600.6), dbSNP rs200421746, ClinGen allele CA8518754.